The following is an entry in ClinVar:

NM_001102469.2(LIPN):c.108+5G>C

Gene: LIPN (lipase family member N; plus strand). Cytogenetic location: 10q23.31.
Variant type: single nucleotide variant.
Coding change: c.108+5G>C on transcript NM_001102469.2 (MANE Select); 5 bases into the intron after coding-DNA position 108, G replaced by C.
Molecular consequence: intron variant.
Genome position (GRCh38, 1-based): chr10:88,761,518, G>C. VCF-style: chr10-88761518-G-C. GRCh37 (hg19) VCF-style: chr10-90521275-G-C.
Identifiers: ClinVar variation 3010792 (VCV003010792.3), dbSNP rs374553115, ClinGen allele CA5591752.
Genomic context (GRCh38, chr10:88,761,518, plus strand): 5'-CTGGTGGATTCCTTGATTTGGAAAATGAAGTGAATCCTGAGGTGTGGATGAATACTGTAA[G>C]TCATGGAAAACTGTGAAGAACATCAAATAAAGCAGGACTAATGGAGTATGAGGTTACGAA-3'

ClinVar aggregate classification (germline): Uncertain significance (1 of 4 stars; one submission).

Allele frequency attached by ClinVar (database versions not stated): gnomAD 0.00001; gnomAD exomes 0.00001; ExAC 0.00002; TOPMed 0.00002; ESP Exome Variant Server 0.00017.
gnomAD v4.1: 18 of 1,588,402 alleles (0.0011%); highest among the groups gnomAD compares: Admixed American, 0.005%; no homozygotes.

Submission:

Labcorp Genetics (formerly Invitae), Labcorp
Classification: Uncertain significance. Last evaluated: 2023-04-26. Review status: criteria provided, single submitter. Criteria: Invitae Variant Classification Sherloc (09022015). Collection method: clinical testing. Allele origin: germline.
Comment: This variant has not been reported in the literature in individuals affected with LIPN-related conditions. This variant is present in population databases (rs374553115, gnomAD 0.003%). This sequence change falls in intron 1 of the LIPN gene. It does not directly change the encoded amino acid sequence of the LIPN protein. It affects a nucleotide within the consensus splice site. Variants that disrupt the consensus splice site are a relatively common cause of aberrant splicing (PMID: 17576681, 9536098). Algorithms developed to predict the effect of sequence changes on RNA splicing suggest that this variant may disrupt the consensus splice site. In summary, the available evidence is currently insufficient to determine the role of this variant in disease. Therefore, it has been classified as a Variant of Uncertain Significance.

Literature cited by the submitters: PubMed 17576681; PubMed 9536098.